The following is an entry in ClinVar:

NM_020937.4(FANCM):c.3919T>C (p.Tyr1307His)

Gene: FANCM (FA complementation group M; plus strand). Cytogenetic location: 14q21.2.
Variant type: single nucleotide variant.
Coding change: c.3919T>C on transcript NM_020937.4 (MANE Select); coding-DNA position 3919, T replaced by C.
Protein change: p.Tyr1307His; replaces tyrosine 1307 with histidine.
Molecular consequence: missense variant.
Genome position (GRCh38, 1-based): chr14:45,176,673, T>C. VCF-style: chr14-45176673-T-C. GRCh37 (hg19) VCF-style: chr14-45645876-T-C.
Other names: c.3841T>C, p.Tyr1281His (NM_001308133.2); short protein forms Y1281H, Y1307H.
Identifiers: ClinVar variation 852896 (VCV000852896.11), dbSNP rs1888726971, ClinGen allele CA389603567.
Genomic context (GRCh38, chr14:45,176,673, plus strand): 5'-AAAAATTTTACTAGTGGAACTGTTATTATCCCATCAAATGAAGATATGCAGAATCCAAAT[T>C]ATGTACATTTGCCACTGAGTGCAGCAAAAAATGAAGAATTGTTATCTCCTGGTTATTCTC-3'
Protein context (NP_065988.1, residues 1297-1317): PSNEDMQNPN[Tyr1307His]VHLPLSAAKN

ClinVar aggregate classification (germline): Uncertain significance. Review status: criteria provided, multiple submitters, no conflicts (2 of 4 stars). 2 submissions from 2 submitters: Uncertain significance (2). Last evaluated 2025-08-04.

Conditions:
Inborn genetic diseases. Identifiers: MedGen C0950123, MeSH D030342.
Fanconi anemia (FA). Also called: Fanconi's anemia. Identifiers: Orphanet 84, MedGen C0015625, MeSH D005199, MONDO:0019391.

Submissions (2):

Ambry Genetics
Classification: Uncertain significance for Inborn genetic diseases. Last evaluated: 2025-08-04. Review status: criteria provided, single submitter. Criteria: Ambry Variant Classification Scheme 2023. Collection method: clinical testing. Allele origin: germline.
Comment: The p.Y1307H variant (also known as c.3919T>C), located in coding exon 14 of the FANCM gene, results from a T to C substitution at nucleotide position 3919. The tyrosine at codon 1307 is replaced by histidine, an amino acid with similar properties. This amino acid position is conserved. In addition, this alteration is predicted to be tolerated by in silico analysis. Based on the available evidence, the clinical significance of this variant remains unclear.

Labcorp Genetics (formerly Invitae), Labcorp
Classification: Uncertain significance for Fanconi anemia. Last evaluated: 2019-12-29. Review status: criteria provided, single submitter. Criteria: Invitae Variant Classification Sherloc (09022015). Collection method: clinical testing. Allele origin: germline.
Comment: This variant is not present in population databases (ExAC no frequency). In summary, the available evidence is currently insufficient to determine the role of this variant in disease. Therefore, it has been classified as a Variant of Uncertain Significance. Algorithms developed to predict the effect of missense changes on protein structure and function (SIFT, PolyPhen-2, Align-GVGD) all suggest that this variant is likely to be tolerated, but these predictions have not been confirmed by published functional studies and their clinical significance is uncertain. This variant has not been reported in the literature in individuals with FANCM-related conditions. This sequence change replaces tyrosine with histidine at codon 1307 of the FANCM protein (p.Tyr1307His). The tyrosine residue is weakly conserved and there is a moderate physicochemical difference between tyrosine and histidine.